The following is an entry in ClinVar:

NM_000632.4(ITGAM):c.298C>A (p.Pro100Thr)

Genes: ITGAM (integrin subunit alpha M; plus strand), LOC126862331 (P300/CBP strongly-dependent group 1 enhancer GRCh37_chr16:31276375-31277574; plus strand). Cytogenetic location: 16p11.2.
Variant type: single nucleotide variant.
Coding change: c.298C>A on transcript NM_000632.4 (MANE Select); coding-DNA position 298, C replaced by A.
Protein change: p.Pro100Thr; replaces proline 100 with threonine.
Molecular consequence: missense variant.
Genome position (GRCh38, 1-based): chr16:31,265,870, C>A. VCF-style: chr16-31265870-C-A. GRCh37 (hg19) VCF-style: chr16-31277191-C-A.
Other names: c.298C>A (NM_000632.3); c.298C>A, p.Pro100Thr (NM_001145808.2); short protein forms P100T.
Identifiers: ClinVar variation 2097265 (VCV002097265.5), dbSNP rs1359824724, ClinGen allele CA395684083.

ClinVar aggregate classification (germline): Uncertain significance. Review status: criteria provided, multiple submitters, no conflicts (2 of 4 stars). 2 submissions from 2 submitters: Uncertain significance (2). Last evaluated 2024-05-16.

gnomAD v4.1: 4 of 1,613,762 alleles (0.00025%); highest among the groups gnomAD compares: Admixed American, 0.0017%; no homozygotes.

Submissions (2):

Ambry Genetics
Classification: Uncertain significance. Last evaluated: 2024-05-16. Review status: criteria provided, single submitter. Criteria: Ambry Variant Classification Scheme 2023. Collection method: clinical testing. Allele origin: germline.

Labcorp Genetics (formerly Invitae), Labcorp
Classification: Uncertain significance. Last evaluated: 2022-02-12. Review status: criteria provided, single submitter. Criteria: Invitae Variant Classification Sherloc (09022015). Collection method: clinical testing. Allele origin: germline.
Comment: This sequence change replaces proline, which is neutral and non-polar, with threonine, which is neutral and polar, at codon 100 of the ITGAM protein (p.Pro100Thr). This variant is present in population databases (no rsID available, gnomAD 0.003%). This variant has not been reported in the literature in individuals affected with ITGAM-related conditions. Algorithms developed to predict the effect of missense changes on protein structure and function output the following: SIFT: "Tolerated"; PolyPhen-2: "Benign"; Align-GVGD: "Class C0". The threonine amino acid residue is found in multiple mammalian species, which suggests that this missense change does not adversely affect protein function. In summary, the available evidence is currently insufficient to determine the role of this variant in disease. Therefore, it has been classified as a Variant of Uncertain Significance.